The following is an entry in ClinVar:

ClinVar aggregate classification (germline): Conflicting classifications of pathogenicity. Review status: criteria provided, conflicting classifications (1 of 4 stars). 8 submissions from 8 submitters: Likely pathogenic (3); Uncertain significance (3). 2 of the submissions do not count toward it. Last evaluated 2026-07-29.

Conditions:
Inborn genetic diseases. Identifiers: MedGen C0950123, MeSH D030342.
Methylmalonic aciduria, cblA type (MACA). Also called: Methylmalonic aciduria, vitamin b12-responsive, due to defect in synthesis of adenosylcobalamin, cbla complementation type; MMA cbl A type; Methylmalonic acidemia cblA type; Methylmalonic aciduria, vitamin B12-responsive; Vitamin B12-responsive methylmalonic acidemia type cblA. Identifiers: Orphanet 28, Orphanet 79310, MedGen C1855109, MONDO:0009613, OMIM 251100.
Microcephaly. Also called: Microcephaly (disease). Identifiers: MedGen C4551563, MONDO:0001149, HP:0000252.
Cataract. Also called: Cataract (disease); cataracts. Identifiers: MedGen C0086543, MeSH D002386, MONDO:0005129, HP:0000518.
Severe global developmental delay. Also called: Severe psychomotor retardation. Identifiers: MedGen C1837397, HP:0011344.

Allele frequency attached by ClinVar (database versions not stated): gnomAD exomes 0.00001; TOPMed 0.00002.
gnomAD v4.1: 21 of 1,614,154 alleles (0.0013%); highest among the groups gnomAD compares: Non-Finnish European, 0.0017%; no homozygotes.

Submissions (8):

GeneDx
Classification: Uncertain significance. Last evaluated: 2026-07-29. Review status: criteria provided, single submitter. Criteria: GeneDx Variant Classification Process June 2021. Collection method: clinical testing. Allele origin: germline.
Comment: Not observed at significant frequency in large population cohorts (gnomAD); In silico analysis supports that this missense variant has a deleterious effect on protein structure/function; Observed in apparent homozygous state in a patient with dystonia; detailed clinical and biochemical results were not reported (PMID: 39937650); This variant is associated with the following publications: (PMID: 39937650)

Labcorp Genetics (formerly Invitae), Labcorp
Classification: Likely pathogenic for Methylmalonic aciduria, cblA type. Last evaluated: 2026-01-19. Review status: criteria provided, single submitter. Criteria: Invitae Variant Classification Sherloc (09022015). Collection method: clinical testing. Allele origin: germline.
Comment: This sequence change replaces alanine, which is neutral and non-polar, with threonine, which is neutral and polar, at codon 102 of the MMAA protein (p.Ala102Thr). This variant is present in population databases (no rsID available, gnomAD 0.0009%). This missense change has been observed in individuals with clinical features of MMAA-related conditions (internal data). ClinVar contains an entry for this variant (Variation ID: 523564). Invitae Evidence Modeling of protein sequence and biophysical properties (such as structural, functional, and spatial information, amino acid conservation, physicochemical variation, residue mobility, and thermodynamic stability) indicates that this missense variant is expected to disrupt MMAA protein function with a positive predictive value of 80%. In summary, the currently available evidence indicates that the variant is pathogenic, but additional data are needed to prove that conclusively. Therefore, this variant has been classified as Likely Pathogenic.

Ambry Genetics
Classification: Uncertain significance for Inborn genetic diseases. Last evaluated: 2025-10-06. Review status: criteria provided, single submitter. Criteria: Ambry Variant Classification Scheme 2023. Collection method: clinical testing. Allele origin: germline.

CeGaT Center for Human Genetics Tuebingen
Classification: Likely pathogenic. Last evaluated: 2023-10-01. Review status: criteria provided, single submitter. Criteria: CeGaT Center For Human Genetics Tuebingen Variant Classification Criteria Version 2. Collection method: clinical testing. Allele origin: germline. Affected: yes. Observed: 2 variant alleles.
Comment: MMAA: PM2, PM3, PP4:Moderate

Department of Human Genetics, Hannover Medical School
Classification: Likely pathogenic for Methylmalonic aciduria, cblA type. Last evaluated: 2023-08-21. Review status: criteria provided, single submitter. Criteria: ACMG Guidelines, 2015. Collection method: clinical testing. Allele origin: germline. Inheritance: Autosomal recessive inheritance. Affected: yes.

Centre for Mendelian Genomics, University Medical Centre Ljubljana
Classification: Uncertain significance for Cataract; Microcephaly; Severe global developmental delay. Last evaluated: 2017-01-01. Review status: criteria provided, single submitter. Criteria: ACMG Guidelines, 2015. Collection method: clinical testing. Allele origin: unknown. Affected: yes.

Clinical Genetics, Synlab MVZ Humangenetik Freiburg
Classification: Likely pathogenic for Methylmalonic aciduria, cblA type. Last evaluated: 2022-10-12. Review status: no assertion criteria provided. Collection method: clinical testing. Allele origin: germline. Inheritance: Autosomal recessive inheritance. Affected: yes. Not counted in ClinVar's aggregate classification.
Comment: The variant is present in the gnomAD database at extreme low frequency (2x het., gnomAd v.3.1.2) and affects a highly conserved residue.

Natera, Inc.
Classification: Uncertain significance for Methylmalonic aciduria cblA type. Last evaluated: 2020-02-12. Review status: no assertion criteria provided. Collection method: clinical testing. Allele origin: germline. Not counted in ClinVar's aggregate classification.

NM_172250.3(MMAA):c.304G>A (p.Ala102Thr)

Gene: MMAA (metabolism of cobalamin associated A; plus strand). Cytogenetic location: 4q31.21.
Variant type: single nucleotide variant.
Coding change: c.304G>A on transcript NM_172250.3 (MANE Select); coding-DNA position 304, G replaced by A.
Protein change: p.Ala102Thr; replaces alanine 102 with threonine.
Molecular consequence: missense variant.
Genome position (GRCh38, 1-based): chr4:145,639,443, G>A. VCF-style: chr4-145639443-G-A. GRCh37 (hg19) VCF-style: chr4-146560595-G-A.
Other names: short protein forms A102T.
Identifiers: ClinVar variation 523564 (VCV000523564.55), dbSNP rs1328584680, ClinGen allele CA358352830.
Genomic context (GRCh38, chr4:145,639,443, plus strand): 5'-GAGCAAAGATTTGTGGATAAACTTTATACTGGTTTAATCCAAGGGCAAAGGGCCTGTTTA[G>A]CAGAGGCCATAACTCTTGTAGAATCAACTCACAGCAGGAAAAAGGAGTTAGCCCAGGTGC-3'
Protein context (NP_758454.1, residues 92-112): GLIQGQRACL[Ala102Thr]EAITLVESTH